The following is an entry in ClinVar:

NM_181882.3(PRX):c.2463C>T (p.Gly821=)

Gene: PRX (periaxin; minus strand). Cytogenetic location: 19q13.2.
Variant type: single nucleotide variant.
Coding change: c.2463C>T on transcript NM_181882.3 (MANE Select); coding-DNA position 2463, C replaced by T.
Protein change: p.Gly821=; no amino-acid change (glycine 821 retained).
Molecular consequence: synonymous variant. On other transcripts: 3 prime UTR variant (1).
Genome position (GRCh38, 1-based): chr19:40,395,889, G>A on the plus strand (C>T on the coding strand, the complement: PRX is on the minus strand). VCF-style: chr19-40395889-G-A. GRCh37 (hg19) VCF-style: chr19-40901796-G-A.
Other names: c.*2668C>T (NM_020956.2).
Identifiers: ClinVar variation 845620 (VCV000845620.41), dbSNP rs368481955, ClinGen allele CA9444050.
Genomic context (GRCh38, chr19:40,395,889, plus strand): 5'-CACCTCTGGCTGCAGACAGGGAAGTGTTACCAGCTTCCCTGAGACCTCAGCACCCGCCTC[G>A]CCTGGCTTGCCACGTGATGGGGACTCTGCCCTCCCTAGCTTGGGCATGGTCATCTTGGGC-3'
Protein context (NP_870998.2, residues 811-831): RAESPSRGKP[Gly821=]EAGAEVSGKL

ClinVar aggregate classification (germline): Conflicting classifications of pathogenicity. Review status: criteria provided, conflicting classifications (1 of 4 stars). 5 submissions from 5 submitters: Likely pathogenic (1); Uncertain significance (4). Last evaluated 2026-01-22.

Conditions:
PRX-related disorder. Also called: PRX-related condition; PRX-Related Disorders.
Tip-toe gait. Also called: Toe walking. Identifiers: MedGen C0427144, HP:0030051.
Charcot-Marie-Tooth disease type 4. Also called: Charcot-Marie-Tooth disease, type IV; Charcot-Marie-Tooth, Type 4. Identifiers: Orphanet 64749, MedGen C4082197, MONDO:0018995.

Allele frequency attached by ClinVar (database versions not stated): gnomAD exomes 0.00001 and 0.00003; ExAC 0.00006; gnomAD 0.00007 and 0.00009; TOPMed 0.00007; ESP Exome Variant Server 0.00008; 1000 Genomes Project 30x 0.00031; 1000 Genomes Project 0.00040.
gnomAD v4.1: 29 of 1,614,114 alleles (0.0018%); highest among the groups gnomAD compares: African/African-American, 0.012%; no homozygotes.

Submissions (5):

Dasa
Classification: Uncertain significance. Last evaluated: 2026-01-22. Review status: criteria provided, single submitter. Criteria: DASA Assertion Criteria. Collection method: clinical testing. Allele origin: germline.
Comment: NM_181882.3(PRX):c.2463C>T (p.Gly821=) is a synonymous variant predicted not to alter the encoded amino acid sequence. This variant is rare in population databases. Computational prediction algorithms are consistent with a deleterious effect. The currently available literature and clinical evidence are not sufficient to establish a definitive association between this variant and the reported condition. Therefore, this variant is classified as a variant of uncertain significance.

PreventionGenetics, part of Exact Sciences
Classification: Uncertain significance for PRX-related condition. Last evaluated: 2025-03-08. Review status: criteria provided, single submitter. Criteria: ACMG Guidelines, 2015. Collection method: clinical testing. Allele origin: germline.
Comment: The PRX c.2463C>T variant is not predicted to result in an amino acid change (p.=). This variant is predicted to impact splicing based on splicing prediction programs (SpliceAI, Jaganathan K, et al. 2019. PubMed ID: 30661751). However, the use of computer prediction programs is not equivalent to functional evidence. To our knowledge, this variant has not been reported in the literature. This variant is reported in 0.0080% of alleles in individuals of African descent in gnomAD. At this time, the clinical significance of this variant is uncertain due to the absence of conclusive functional and genetic evidence.

Labcorp Genetics (formerly Invitae), Labcorp
Classification: Uncertain significance for Charcot-Marie-Tooth disease type 4. Last evaluated: 2022-07-19. Review status: criteria provided, single submitter. Criteria: Invitae Variant Classification Sherloc (09022015). Collection method: clinical testing. Allele origin: germline.
Comment: This sequence change affects codon 821 of the PRX mRNA. It is a 'silent' change, meaning that it does not change the encoded amino acid sequence of the PRX protein. This variant is present in population databases (rs368481955, gnomAD 0.008%). This variant has not been reported in the literature in individuals affected with PRX-related conditions. ClinVar contains an entry for this variant (Variation ID: 845620). Algorithms developed to predict the effect of sequence changes on RNA splicing suggest that this variant may create or strengthen a splice site. In summary, the available evidence is currently insufficient to determine the role of this variant in disease. Therefore, it has been classified as a Variant of Uncertain Significance.

Practice for Gait Abnormalities, David Pomarino, Competency Network Toe Walking C/o Practice Pomarino
Classification: Likely pathogenic for Tip-toe gait. Last evaluated: 2021-09-24. Review status: criteria provided, single submitter. Criteria: ACMG Guidelines, 2015. Collection method: clinical testing. Allele origin: germline. Affected: yes.
Comment: Hereditary motor sensory neuropathy (HMSN), also known as Charcot-Marie-Tooth Disease (CMT), is the most commonly inherited peripheral polyneuropathy. It constitutes a group of inherited, progressive, motor and sensory peripheral nerve disorders with properties of demyelination, axonal degeneration, or both. It is classified by clinical characteristics, modes of inheritance, electrophysiologic features, metabolic defects, and specific gene markers. Our patients all walk on tiptoe, so they show similar symptoms. When we genetically test them with our toe walking panel, we find that around 90 per cent of them have a genetic variant that explains their toe walking. These can be assigned, for example, to the area of myopathies (such as variants of the COL6A3 gene), the area of hereditary neuropathies (such as variants of the KMT2C gene) or the area of metabolic diseases (such as variants of the PYGM gene). In a smaller group of patients with almost identical symptoms, no abnormality is found in the genes of our panel, but spastic paraplegia can be detected. In another small group of our toe walkers, no abnormalities can be detected in the genes analysed in our toe walking panel, nor do they suffer from spastic paraplegia, as is also the case with healthy children. In contrast to these, however, they show a tiptoe gait. These patients suffer from infantile cerebral palsy, in which toe walking can also be observed.

CeGaT Center for Human Genetics Tuebingen
Classification: Uncertain significance. Last evaluated: 2020-06-01. Review status: criteria provided, single submitter. Criteria: CeGaT Center For Human Genetics Tuebingen Variant Classification Criteria Version 2. Collection method: clinical testing. Allele origin: germline. Affected: yes. Observed: 1 variant allele.

Literature cited by the submitters: PubMed 37091313 (cited by Practice for Gait Abnormalities, David Pomarino, Competency Network Toe Walking C/o Practice Pomarino).